The following is an entry in ClinVar:

ClinVar aggregate classification (germline): Conflicting classifications of pathogenicity. Review status: criteria provided, conflicting classifications (1 of 4 stars). 11 submissions from 11 submitters: Pathogenic (5); Likely pathogenic (3); Uncertain significance (2). 1 of the submissions does not count toward it. Last evaluated 2024-10-04.

Conditions:
Inborn genetic diseases. Identifiers: MedGen C0950123, MeSH D030342.
Intellectual disability-severe speech delay-mild dysmorphism syndrome (IDDLA). Also called: Mental retardation with language impairment and autistic features; Intellectual developmental disorder with language impairment AND with or without autistic features; FOXP1 Syndrome. Identifiers: Orphanet 391372, MedGen C4013764, MONDO:0013352, OMIM 613670.

Allele frequency attached by ClinVar (database versions not stated): TOPMed below 0.00001.

Submissions (13):

Dubai Health Genomic Medicine Center, Dubai Health
Classification: Likely pathogenic for Intellectual developmental disorder with language impairment AND with or without autistic features. Last evaluated: 2024-10-04. Review status: criteria provided, single submitter. Criteria: ACMG Guidelines, 2015. Collection method: research. Allele origin: germline. Affected: yes.
Comment: PM2,PP3,PS2

Labcorp Genetics (formerly Invitae), Labcorp
Classification: Pathogenic. Last evaluated: 2024-09-08. Review status: criteria provided, single submitter. Criteria: Invitae Variant Classification Sherloc (09022015). Collection method: clinical testing. Allele origin: germline.
Comment: This sequence change falls in intron 18 of the FOXP1 gene. It does not directly change the encoded amino acid sequence of the FOXP1 protein. It affects a nucleotide within the consensus splice site. This variant is not present in population databases (gnomAD no frequency). This variant has been observed in individual(s) with FOXP1-related conditions (PMID: 34580403, 35991577; internal data). In at least one individual the variant was observed to be de novo. ClinVar contains an entry for this variant (Variation ID: 194897). Variants that disrupt the consensus splice site are a relatively common cause of aberrant splicing (PMID: 17576681, 9536098). Algorithms developed to predict the effect of sequence changes on RNA splicing suggest that this variant may disrupt the consensus splice site. For these reasons, this variant has been classified as Pathogenic.

CeGaT Center for Human Genetics Tuebingen
Classification: Pathogenic. Last evaluated: 2024-04-01. Review status: criteria provided, single submitter. Criteria: CeGaT Center For Human Genetics Tuebingen Variant Classification Criteria Version 2. Collection method: clinical testing. Allele origin: germline. Affected: yes. Observed: 1 variant allele.
Comment: FOXP1: PS2:Very Strong, PM2, PS4:Moderate, PP3, PS1:Supporting, PS3:Supporting

Ambry Genetics
Classification: Pathogenic for Inborn genetic diseases. Last evaluated: 2023-06-01. Review status: criteria provided, single submitter. Criteria: Ambry Variant Classification Scheme 2023. Collection method: clinical testing. Allele origin: germline.
Comment: The c.1652+5G>A intronic alteration consists of a G to A substitution 5 nucleotides after exon 18 (coding exon 13) in the FOXP1 gene. This variant was not reported in population-based cohorts in the Genome Aggregation Database (gnomAD). This variant has been determined to be the result of a de novo mutation in two individuals with features consistent with FOXP1-related neurodevelopmental disorder (Pode-Shakked, 2021; Chen, 2022). This nucleotide position is highly conserved in available vertebrate species. In silico splice site analysis predicts that this alteration will weaken the native splice donor site. Based on the available evidence, this alteration is classified as pathogenic.

GeneDx
Classification: Pathogenic. Last evaluated: 2023-05-26. Review status: criteria provided, single submitter. Criteria: GeneDx Variant Classification Process June 2021. Collection method: clinical testing. Allele origin: germline. Affected: yes.
Comment: Intronic +5 splice site variant in a gene for which loss of function is a known mechanism of disease, and splice predictors support a deleterious effect; Not observed at significant frequency in large population cohorts (gnomAD); This variant is associated with the following publications: (PMID: 34580403, 35991577)

Victorian Clinical Genetics Services, Murdoch Childrens Research Institute
Classification: Pathogenic for Intellectual disability-severe speech delay-mild dysmorphism syndrome. Last evaluated: 2022-02-02. Review status: criteria provided, single submitter. Criteria: ACMG Guidelines, 2015. Collection method: clinical testing. Allele origin: germline. Inheritance: Autosomal dominant inheritance.
Comment: Based on the classification scheme VCGS_Germline_v1.3.4, this variant is classified as Pathogenic. Following criteria are met: 0103 - Dominant negative and loss of function are known mechanisms of disease in this gene and are associated with intellectual disability with language impairment and with or without autistic features (MIM#613670). Loss of function due to haploinsufficiency has been demonstrated, however dominant negative has also been suggested (PMIDs: 26647308, 31199603). (I) 0107 - This gene is associated with autosomal dominant disease. (I) 0212 - Non-canonical splice site variant without proven consequence on splicing (no functional evidence available). (SP) 0251 - This variant is heterozygous. (I) 0301 - Variant is absent from gnomAD (both v2 and v3). (SP) 0505 - Abnormal splicing is predicted by in silico tools and affected nucleotide is highly conserved. (SP) 0704 - Another non-canonical splice site variant comparable to the one identified in this case has limited previous evidence for pathogenicity. The c.1652+5G>C variant has been reported as likely pathogenic in ClinVar. (SP) 0801 - This variant has strong previous evidence of pathogenicity in unrelated individuals. It has been reported as likely pathogenic/pathogenic in three individuals, and has been shown to be de novo in two of the individuals (ClinVar, Decipher). (SP) Legend: (SP) - Supporting pathogenic, (I) - Information, (SB) - Supporting benign

3billion
Classification: Likely pathogenic for Intellectual disability-severe speech delay-mild dysmorphism syndrome. Last evaluated: 2021-10-02. Review status: criteria provided, single submitter. Criteria: ACMG Guidelines, 2015. Collection method: clinical testing. Allele origin: unknown. Affected: yes. Observed: 1 heterozygote.
Comment: Same nucleotide change resulting in same amino acid change has been previously reported as pathogenic/likely pathogenic with supporting evidence (ClinVar ID: VCV000194897.5, PS1_P). The variant was observed as assumed (i.e. paternity and maternity not confirmed) de novoo (3billion dataset, PM6). It is not observed in the gnomAD v2.1.1 dataset (PM2). In silico tools do not predict the variant to alter splicing and produce an abnormal transcript (SpliceAI:0.8, PP3). The variant has been reported to co-segregate with the disease in three similarly affected siblings in the same family (3billion dataset, PP1). Therefore, this variant is classified as pathogenic according to the recommendation of ACMG/AMP guideline.

Genetic Services Laboratory, University of Chicago
Classification: Uncertain significance. Last evaluated: 2019-09-17. Review status: criteria provided, single submitter. Criteria: ACMG Guidelines, 2015. Collection method: clinical testing. Allele origin: germline. Affected: no.

Institute of Human Genetics, University of Leipzig Medical Center
Classification: Likely pathogenic for Intellectual disability-severe speech delay-mild dysmorphism syndrome. Last evaluated: 2019-04-03. Review status: criteria provided, single submitter. Criteria: ACMG Guidelines, 2015. Collection method: clinical testing. Allele origin: de novo. Affected: yes. Observed: 1 variant allele.
Comment: This variant was identified as de novo (maternity and paternity confirmed).

Eurofins Ntd Llc (ga)
Classification: Uncertain significance. Last evaluated: 2015-01-05. Review status: criteria provided, single submitter. Criteria: EGL Classification Definitions 2015. Collection method: clinical testing. Allele origin: germline. Observed: 1 variant allele, 1 heterozygote.

Pediatric Genetics Clinic, Sheba Medical Center
Classification: Likely pathogenic for Intellectual disability-severe speech delay-mild dysmorphism syndrome. Last evaluated: 2021-05-13. Review status: no assertion criteria provided. Collection method: clinical testing. Allele origin: de novo. Affected: yes. Observed: 1 compound heterozygote. Not counted in ClinVar's aggregate classification.

Dr. Peter K. Rogan Lab, Western University
No classification provided (evidence only). Condition: Familial prostate cancer. Review status: no classification provided. Collection method: in vitro. Allele origin: not applicable. Functional consequence: skipped exon. Not counted in ClinVar's aggregate classification.

Dr. Peter K. Rogan Lab, Western University
No classification provided (evidence only). Condition: Colon adenocarcinoma. Review status: no classification provided. Collection method: in vitro. Allele origin: not applicable. Functional consequence: skipped exon, retained intron. Not counted in ClinVar's aggregate classification.

Literature cited by the submitters: PubMed 34580403 (cited by Labcorp Genetics (formerly Invitae), Labcorp and Ambry Genetics); PubMed 35991577 (cited by Labcorp Genetics (formerly Invitae), Labcorp and Ambry Genetics); PubMed 17576681 (cited by Labcorp Genetics (formerly Invitae), Labcorp); PubMed 9536098 (cited by Labcorp Genetics (formerly Invitae), Labcorp); PubMed 26647308 (cited by Victorian Clinical Genetics Services, Murdoch Childrens Research Institute); PubMed 31199603 (cited by Victorian Clinical Genetics Services, Murdoch Childrens Research Institute).

NM_001349338.3(FOXP1):c.1652+5G>A

Gene: FOXP1 (forkhead box P1; minus strand). Cytogenetic location: 3p13.
Variant type: single nucleotide variant.
Coding change: c.1652+5G>A on transcript NM_001349338.3 (MANE Select); 5 bases into the intron after coding-DNA position 1652, G replaced by A.
Molecular consequence: intron variant.
Genome position (GRCh38, 1-based): chr3:70,972,550, C>T on the plus strand (G>A on the coding strand, the complement: FOXP1 is on the minus strand). VCF-style: chr3-70972550-C-T. GRCh37 (hg19) VCF-style: chr3-71021701-C-T.
Other names: c.1649+5G>A (NM_001244808.1, NM_001349341.3, NM_001244808.3); c.1531-370G>A (NM_001244810.2); c.1652+5G>A (NM_032682.6, NM_001349340.3, NM_001244816.2 and 1 more transcripts); c.1424+5G>A (NM_001244812.3); c.1349+5G>A (NM_001349343.3, NM_001349337.2, NM_001370548.1 and 1 more transcripts); c.1352+5G>A (NM_001349342.3, NM_001244815.2, NM_001244813.3).
Identifiers: ClinVar variation 194897 (VCV000194897.49), dbSNP rs794727216, ClinGen allele CA241108.